The following is an entry in ClinVar:

NM_020137.5(GRIPAP1):c.1159C>T (p.Leu387Phe)

Gene: GRIPAP1 (GRIP1 associated protein 1; minus strand). Cytogenetic location: Xp11.23.
Variant type: single nucleotide variant.
Coding change: c.1159C>T on transcript NM_020137.5 (MANE Select); coding-DNA position 1159, C replaced by T.
Protein change: p.Leu387Phe; replaces leucine 387 with phenylalanine.
Molecular consequence: missense variant.
Genome position (GRCh38, 1-based): chrX:48,985,285, G>A on the plus strand (C>T on the coding strand, the complement: GRIPAP1 is on the minus strand). VCF-style: chrX-48985285-G-A. GRCh37 (hg19) VCF-style: chrX-48841698-G-A.
Other names: short protein forms L387F.
Identifiers: ClinVar variation 5002458 (VCV005002458.1).

ClinVar aggregate classification (germline): Uncertain significance (1 of 4 stars; one submission).

Conditions:
GRIPAP1-related condition.

Submission:

PreventionGenetics, part of Exact Sciences
Classification: Uncertain significance for GRIPAP1-related condition. Last evaluated: 2024-12-18. Review status: criteria provided, single submitter. Criteria: ACMG Guidelines, 2015. Collection method: clinical testing. Allele origin: germline.
Comment: The GRIPAP1 c.1159C>T variant is predicted to result in the amino acid substitution p.Leu387Phe. To our knowledge, this variant has not been reported in the literature or in a large population database (gnomAD), indicating this variant is rare. At this time, the clinical significance of this variant is uncertain due to the absence of conclusive functional and genetic evidence.